The following is an entry in ClinVar:

ClinVar aggregate classification (germline): Uncertain significance (1 of 4 stars; one submission).

Submission:

Labcorp Genetics (formerly Invitae), Labcorp
Classification: Uncertain significance. Last evaluated: 2022-06-22. Review status: criteria provided, single submitter. Criteria: Invitae Variant Classification Sherloc (09022015). Collection method: clinical testing. Allele origin: germline.
Comment: This sequence change creates a premature translational stop signal (p.Glu620*) in the SLC7A14 gene. It is expected to result in an absent or disrupted protein product. However, the current clinical and genetic evidence is not sufficient to establish whether loss-of-function variants in SLC7A14 cause disease. This variant is not present in population databases (gnomAD no frequency). In summary, the available evidence is currently insufficient to determine the role of this variant in disease. Therefore, it has been classified as a Variant of Uncertain Significance. This variant has not been reported in the literature in individuals affected with SLC7A14-related conditions.

NM_020949.3(SLC7A14):c.1858G>T (p.Glu620Ter)

Genes: SLC7A14 (solute carrier family 7 member 14; minus strand), SLC7A14-AS1 (SLC7A14 antisense RNA 1; plus strand). Cytogenetic location: 3q26.2.
Variant type: single nucleotide variant.
Coding change: c.1858G>T on transcript NM_020949.3 (MANE Select); coding-DNA position 1858, G replaced by T.
Protein change: p.Glu620Ter; replaces glutamic acid 620 with a stop codon.
Molecular consequence: nonsense.
Genome position (GRCh38, 1-based): chr3:170,480,424, C>A on the plus strand (G>T on the coding strand, the complement: SLC7A14 is on the minus strand). VCF-style: chr3-170480424-C-A. GRCh37 (hg19) VCF-style: chr3-170198213-C-A.
Other names: short protein forms E620*.
Identifiers: ClinVar variation 2009151 (VCV002009151.4), dbSNP rs2473366965, ClinGen allele CA355488932.